The following is an entry in ClinVar:

NM_016263.4(FZR1):c.895C>T (p.Arg299Cys)

Gene: FZR1 (fizzy and cell division cycle 20 related 1; plus strand). Cytogenetic location: 19p13.3.
Variant type: single nucleotide variant.
Coding change: c.895C>T on transcript NM_016263.4 (MANE Select); coding-DNA position 895, C replaced by T.
Protein change: p.Arg299Cys; replaces arginine 299 with cysteine.
Molecular consequence: missense variant.
Genome position (GRCh38, 1-based): chr19:3,531,982, C>T. VCF-style: chr19-3531982-C-T. GRCh37 (hg19) VCF-style: chr19-3531980-C-T.
Other names: c.628C>T, p.Arg210Cys (NM_001136197.1); c.895C>T, p.Arg299Cys (NM_001136198.1); short protein forms R210C, R299C.
Identifiers: ClinVar variation 2770322 (VCV002770322.3), dbSNP rs2512293056, ClinGen allele CA403323796.

ClinVar aggregate classification (germline): Uncertain significance (1 of 4 stars; one submission).

Allele frequency attached by ClinVar (database versions not stated): gnomAD exomes below 0.00001.
gnomAD v4.1: 1 of 1,563,296 alleles (0.000064%); highest among the groups gnomAD compares: Non-Finnish European, 0.000086%; no homozygotes.

Submission:

Labcorp Genetics (formerly Invitae), Labcorp
Classification: Uncertain significance. Last evaluated: 2023-10-20. Review status: criteria provided, single submitter. Criteria: Invitae Variant Classification Sherloc (09022015). Collection method: clinical testing. Allele origin: germline.
Comment: This sequence change replaces arginine, which is basic and polar, with cysteine, which is neutral and slightly polar, at codon 299 of the FZR1 protein (p.Arg299Cys). This variant is not present in population databases (gnomAD no frequency). This variant has not been reported in the literature in individuals affected with FZR1-related conditions. Advanced modeling of protein sequence and biophysical properties (such as structural, functional, and spatial information, amino acid conservation, physicochemical variation, residue mobility, and thermodynamic stability) performed at Invitae indicates that this missense variant is expected to disrupt FZR1 protein function. In summary, the available evidence is currently insufficient to determine the role of this variant in disease. Therefore, it has been classified as a Variant of Uncertain Significance.